The following is an entry in ClinVar:

ClinVar aggregate classification (germline): Pathogenic/Likely pathogenic. Review status: criteria provided, multiple submitters, no conflicts (2 of 4 stars). 18 submissions from 18 submitters: Pathogenic (13); Likely pathogenic (2). 3 of the submissions do not count toward it. Last evaluated 2026-01-22.

Conditions:
BCKDHB-related disorder. Also called: BCKDHB-related condition.
Inborn genetic diseases. Identifiers: MedGen C0950123, MeSH D030342.
Maple syrup urine disease type 1A (MSUD1A). Also called: MSUD type 1A. Identifiers: MedGen C1855369, MONDO:0023691, OMIM 248600.
Maple syrup urine disease type 1B (MSUD1B). Also called: MSUD type IB; MSUD type 3 (formerly); MSUD due to deficiency of e1-beta subunit of branched-chain alpha-keto acid dehydrogenase complex. Identifiers: MedGen C2930990, MONDO:0023692, OMIM 620698.
Maple syrup urine disease (MSUD). Identifiers: Orphanet 511, MedGen C0024776, MeSH D008375, MONDO:0009563. Disease mechanism: loss of function.

Allele frequency attached by ClinVar (database versions not stated): ExAC 0.00020; ESP Exome Variant Server 0.00031; TOPMed 0.00007; gnomAD 0.00009 and 0.00010.
gnomAD v4.1: 120 of 1,613,956 alleles (0.0074%); highest among the groups gnomAD compares: Non-Finnish European, 0.00085%; no homozygotes.

Submissions 1 to 10 of 18:

Labcorp Genetics (formerly Invitae), Labcorp
Classification: Pathogenic for Maple syrup urine disease. Last evaluated: 2026-01-22. Review status: criteria provided, single submitter. Criteria: Invitae Variant Classification Sherloc (09022015). Collection method: clinical testing. Allele origin: germline.
Comment: This sequence change replaces arginine, which is basic and polar, with proline, which is neutral and non-polar, at codon 183 of the BCKDHB protein (p.Arg183Pro). This variant is present in population databases (rs79761867, gnomAD 0.5%). This missense change has been observed in individuals with maple syrup urine disease (PMID: 11509994, 26257134). ClinVar contains an entry for this variant (Variation ID: 11937). Invitae Evidence Modeling of protein sequence and biophysical properties (such as structural, functional, and spatial information, amino acid conservation, physicochemical variation, residue mobility, and thermodynamic stability) indicates that this missense variant is expected to disrupt BCKDHB protein function with a positive predictive value of 80%. This variant disrupts the p.Arg183 amino acid residue in BCKDHB. Other variant(s) that disrupt this residue have been determined to be pathogenic (PMID: 22593002). This suggests that this residue is clinically significant, and that variants that disrupt this residue are likely to be disease-causing. For these reasons, this variant has been classified as Pathogenic.

Natera, Inc.
Classification: Pathogenic for Maple syrup urine disease type 1B. Last evaluated: 2025-11-12. Review status: criteria provided, single submitter. Criteria: Natera Variant Classification Schema (03/2026). Collection method: clinical testing. Allele origin: germline.
Comment: The c.548G>C variant in BCKDHB is a missense variant predicted to cause substitution of arginine to proline at amino acid 183. The frequency of this variant in the general population is greater than expected for disorder. Functional studies show that this variant may disrupt protein function (PMID: 11448970). A different variant at the same position has been determined to be Pathogenic or Likely Pathogenic. Computational prediction algorithms indicate this variant is likely to affect gene or protein function. Given the available evidence, this variant is classified as Pathogenic.

GeneDx
Classification: Pathogenic. Last evaluated: 2025-03-05. Review status: criteria provided, single submitter. Criteria: GeneDx Variant Classification Process June 2021. Collection method: clinical testing. Allele origin: germline. Affected: yes.
Comment: In silico analysis supports that this missense variant has a deleterious effect on protein structure/function; This variant is associated with the following publications: (PMID: 26257134, 28197878, 22593002, 21844576, 11509994, 27175728, 25087612, 27403441, 24268812, 19456321, 23757202, 32151765, 31980395, 31980526, 32778825, 21484869)

Blueprint Genetics
Classification: Pathogenic for BCKDHB-related disorders. Last evaluated: 2024-10-15. Review status: criteria provided, single submitter. Criteria: ACMG Guidelines, 2015. Collection method: clinical testing. Allele origin: germline. Affected: yes. Observed: 4 variant alleles.

Fulgent Genetics
Classification: Pathogenic for Maple syrup urine disease type 1B. Last evaluated: 2024-03-11. Review status: criteria provided, single submitter. Criteria: ACMG Guidelines, 2015. Collection method: clinical testing. Allele origin: germline.

Genome-Nilou Lab
Classification: Pathogenic for Maple syrup urine disease type 1A. Last evaluated: 2021-11-07. Review status: criteria provided, single submitter. Criteria: ACMG Guidelines, 2015. Collection method: clinical testing. Allele origin: germline. Affected: no.

Victorian Clinical Genetics Services, Murdoch Childrens Research Institute
Classification: Pathogenic for Maple syrup urine disease type 1A. Last evaluated: 2021-05-06. Review status: criteria provided, single submitter. Criteria: ACMG Guidelines, 2015. Collection method: clinical testing. Allele origin: germline. Inheritance: Autosomal recessive inheritance. Affected: no.
Comment: Based on the classification scheme VCGS_Germline_v1.3.4, this variant is classified as Pathogenic. Following criteria are met: 0102 - Loss of function is a known mechanism of disease in this gene and is associated with maple syrup urine disease, type Ib (MIM#248600). (I) 0106 - This gene is associated with autosomal recessive disease. (I) 0200 - Variant is predicted to result in a missense amino acid change from arginine to proline. (I) 0251 - This variant is heterozygous. (I) 0304 - Variant is present in gnomAD (v2) <0.01 for a recessive condition (62 heterozygotes, 0 homozygotes). (SP) 0309 - An alternative amino acid change at the same position has been observed in gnomAD (v2) (8 heterozygotes, 0 homozygotes). (I) 0501 - Missense variant consistently predicted to be damaging by multiple in silico tools or highly conserved with a major amino acid change. (SP) 0600 - Variant is located in the annotated transketolase pyrimidine binding domain (Decipher). (I) 0702 - Other missense variants comparable to the one identified in this case have strong previous evidence for pathogenicity. These alternative missense variants p.(Arg183Trp), p.(Arg183Gln) have been previously reported as likely pathogenic, and observed in individuals with maple syrup urine disease (MSUD) (ClinVar, PMID: 28197878). (SP) 0801 - This variant has strong previous evidence of pathogenicity in unrelated individuals. This variant has been reported multiple times as pathogenic and likely pathogenic, and has been reported in mostly homozygous Ashkenazi Jewish individuals with classic MSUD (ClinVar, PMID: 11509994). (SP) 1208 - Inheritance information for this variant is not currently available in this individual. (I) Legend: (SP) - Supporting pathogenic, (I) - Information, (SB) - Supporting benign

Ambry Genetics
Classification: Pathogenic for Inborn genetic diseases. Last evaluated: 2021-03-31. Review status: criteria provided, single submitter. Criteria: Ambry Variant Classification Scheme 2023. Collection method: clinical testing. Allele origin: germline.
Comment: The c.548G>C (p.R183P) alteration is located in exon 5 (coding exon 5) of the BCKDHB gene. This alteration results from a G to C substitution at nucleotide position 548, causing the arginine (R) at amino acid position 183 to be replaced by a proline (P). Based on data from the Genome Aggregation Database (gnomAD) database, the BCKDHB c.548G>C alteration was observed in 0.02% (62/282734) of total alleles studied, with a frequency of 0.53% (55/10368) in the Ashkenazi Jewish subpopulation. This alteration has been reported in the homozygous and compound heterozygous states in patients with maple syrup urine disease and is a common founder mutation in the Ashkenazi Jewish population (Edelmann, 2001; Gupta, 2015). This amino acid position is highly conserved in available vertebrate species. Functional studies demonstrate that this alteration affects protein activity and stability in a temperature-dependent manner (Wynn, 2001). The p.R183P alteration is predicted to be deleterious by in silico analysis. Based on the available evidence, this alteration is classified as pathogenic.

Revvity Omics, Revvity
Classification: Pathogenic for Maple syrup urine disease type 1A. Last evaluated: 2020-07-07. Review status: criteria provided, single submitter. Criteria: ACMG Guidelines, 2015. Collection method: clinical testing. Allele origin: germline.

Myriad Genetics, Inc.
Classification: Likely pathogenic for Maple syrup urine disease type 1A. Last evaluated: 2019-10-18. Review status: criteria provided, single submitter. Criteria: Myriad Women's Health Autosomal Recessive and X-Linked Classification Criteria (2019). Collection method: clinical testing. Allele origin: unknown.
Comment: NM_183050.2(BCKDHB):c.548G>C(R183P) is classified as likely pathogenic in the context of maple syrup urine disease type Ib and is associated with the classic form of the disease. Sources cited for classification include the following: PMID 11509994, 25255367 and 11448970. Classification of NM_183050.2(BCKDHB):c.548G>C(R183P) is based on the following criteria: This variant has been observed more frequently in patients with clinical diagnoses than in healthy populations. Please note: this variant was assessed in the context of healthy population screening.â€šÃ„Ã¶âˆšÃ‘âˆšÂ£

NM_183050.4(BCKDHB):c.548G>C (p.Arg183Pro)

Gene: BCKDHB (branched chain keto acid dehydrogenase E1 subunit beta; plus strand). Cytogenetic location: 6q14.1.
Variant type: single nucleotide variant.
Coding change: c.548G>C on transcript NM_183050.4 (MANE Select); coding-DNA position 548, G replaced by C.
Protein change: p.Arg183Pro; replaces arginine 183 with proline.
Molecular consequence: missense variant. On other transcripts: non-coding transcript variant (1).
Genome position (GRCh38, 1-based): chr6:80,168,945, G>C. VCF-style: chr6-80168945-G-C. GRCh37 (hg19) VCF-style: chr6-80878662-G-C.
Other names: c.548G>C, p.Arg183Pro (NM_000056.5); c.338G>C, p.Arg113Pro (NM_001318975.1); c.548G>C (NM_000056.3); short protein forms R183P, R113P.
Identifiers: ClinVar variation 11937 (VCV000011937.50), dbSNP rs79761867, ClinGen allele CA121789.
Genomic context (GRCh38, chr6:80,168,945, plus strand): 5'-AAGCTGCCAAGTATCGCTATCGCTCTGGGGATCTTTTTAACTGTGGAAGCCTCACTATCC[G>C]GTCCCCTTGGGGCTGTGTTGGTCATGGGGCTCTCTATCATTCTCAGAGTCCTGAAGCATT-3'
Protein context (NP_898871.1, residues 173-193): DLFNCGSLTI[Arg183Pro]SPWGCVGHGA